The following is an entry in ClinVar:

ClinVar aggregate classification (germline): Uncertain significance (1 of 4 stars; one submission).

Submission:

CeGaT Center for Human Genetics Tuebingen
Classification: Uncertain significance. Last evaluated: 2024-04-01. Review status: criteria provided, single submitter. Criteria: CeGaT Center For Human Genetics Tuebingen Variant Classification Criteria Version 2. Collection method: clinical testing. Allele origin: germline. Affected: yes. Observed: 1 variant allele.
Comment: KCNQ1OT1: PM2

NM_000218.3(KCNQ1):c.1514+8413G>A

Genes: KCNQ1 (potassium voltage-gated channel subfamily Q member 1; plus strand), KCNQ1OT1 (KCNQ1 opposite strand/antisense transcript 1; minus strand). Cytogenetic location: 11p15.5.
Variant type: single nucleotide variant.
Coding change: c.1514+8413G>A on transcript NM_000218.3 (MANE Select); 8413 bases into the intron after coding-DNA position 1514, G replaced by A.
Molecular consequence: intron variant. On other transcripts: non-coding transcript variant (1).
Genome position (GRCh38, 1-based): chr11:2,670,494, G>A. VCF-style: chr11-2670494-G-A. GRCh37 (hg19) VCF-style: chr11-2691724-G-A.
Other names: c.1244+8413G>A (NM_001406837.1); c.1418+8413G>A (NM_001406836.1); c.974+8413G>A (NM_001406838.1); c.1133+8413G>A (NM_181798.2).
Identifiers: ClinVar variation 3234653 (VCV003234653.20), dbSNP rs1850163538, ClinGen allele CA472770583.
Genomic context (GRCh38, chr11:2,670,494, plus strand): 5'-TGCTGTTGGCTGAGACACACAGCCCACATCCTTGGTAGGTCCCTCAGAGAGCATCTAGTG[G>A]GCCTGTCCTCCCAGCTCACAGAAGGGGAAATTGAAGCCTCAAGAAGGATAGGGACTTGCC-3'